The following is an entry in ClinVar:

ClinVar aggregate classification (germline): Likely benign. Review status: criteria provided, multiple submitters, no conflicts (2 of 4 stars). 2 submissions from 2 submitters: Likely benign (2). Last evaluated 2025-08-01.

Conditions:
Gorlin syndrome. Also called: Nevoid Basal Cell Carcinoma Syndrome; Basal cell nevus syndrome. Identifiers: Orphanet 377, MedGen C0004779, MONDO:0007187.

Allele frequency attached by ClinVar (database versions not stated): gnomAD 0.00001; gnomAD exomes 0.00001; TOPMed 0.00001; ExAC 0.00003; 1000 Genomes Project 30x 0.00016; 1000 Genomes Project 0.00020.
gnomAD v4.1: 22 of 1,614,070 alleles (0.0014%); highest among the groups gnomAD compares: South Asian, 0.0099%; no homozygotes.

Submissions (2):

CeGaT Center for Human Genetics Tuebingen
Classification: Likely benign. Last evaluated: 2025-08-01. Review status: criteria provided, single submitter. Criteria: CeGaT Center For Human Genetics Tuebingen Variant Classification Criteria Version 2. Collection method: clinical testing. Allele origin: germline. Affected: yes. Observed: 1 variant allele.
Comment: PTCH2: BP4, BP7

Labcorp Genetics (formerly Invitae), Labcorp
Classification: Likely benign for Gorlin syndrome. Last evaluated: 2024-04-15. Review status: criteria provided, single submitter. Criteria: Invitae Variant Classification Sherloc (09022015). Collection method: clinical testing. Allele origin: germline.

NM_003738.5(PTCH2):c.3273G>A (p.Ala1091=)

Gene: PTCH2 (patched 2; minus strand). Cytogenetic location: 1p34.1.
Variant type: single nucleotide variant.
Coding change: c.3273G>A on transcript NM_003738.5 (MANE Select); coding-DNA position 3273, G replaced by A.
Protein change: p.Ala1091=; no amino-acid change (alanine 1091 retained).
Molecular consequence: synonymous variant.
Genome position (GRCh38, 1-based): chr1:44,823,153, C>T on the plus strand (G>A on the coding strand, the complement: PTCH2 is on the minus strand). VCF-style: chr1-44823153-C-T. GRCh37 (hg19) VCF-style: chr1-45288825-C-T.
Other names: c.3273G>A, p.Ala1091= (NM_001166292.2).
Identifiers: ClinVar variation 2836821 (VCV002836821.11), dbSNP rs200222283, ClinGen allele CA822738.